The following is an entry in ClinVar:

ClinVar aggregate classification (germline): Uncertain significance. Review status: criteria provided, multiple submitters, no conflicts (2 of 4 stars). 2 submissions from 2 submitters: Uncertain significance (2). Last evaluated 2026-07-07.

Conditions:
Hereditary cancer-predisposing syndrome. Also called: Hereditary Cancer Syndrome; Tumor predisposition; Neoplastic Syndromes, Hereditary; Hereditary neoplastic syndrome. Identifiers: Orphanet 140162, MedGen C0027672, MeSH D009386, MONDO:0015356.
Tuberous sclerosis 2 (TSC2). Identifiers: Orphanet 805, MedGen C1860707, MONDO:0013199, OMIM 613254.

Submissions (2):

Ambry Genetics
Classification: Uncertain significance for Hereditary cancer-predisposing syndrome. Last evaluated: 2026-07-07. Review status: criteria provided, single submitter. Criteria: Ambry Variant Classification Scheme 2023. Collection method: clinical testing. Allele origin: germline.
Comment: The p.F904V variant (also known as c.2710T>G), located in coding exon 23 of the TSC2 gene, results from a T to G substitution at nucleotide position 2710. The phenylalanine at codon 904 is replaced by valine, an amino acid with highly similar properties. This amino acid position is conserved. In addition, this alteration is predicted to be deleterious by in silico analysis. Based on the available evidence, the clinical significance of this variant remains unclear.

Labcorp Genetics (formerly Invitae), Labcorp
Classification: Uncertain significance for Tuberous sclerosis 2. Last evaluated: 2022-08-20. Review status: criteria provided, single submitter. Criteria: Invitae Variant Classification Sherloc (09022015). Collection method: clinical testing. Allele origin: germline.
Comment: Advanced modeling of protein sequence and biophysical properties (such as structural, functional, and spatial information, amino acid conservation, physicochemical variation, residue mobility, and thermodynamic stability) performed at Invitae indicates that this missense variant is not expected to disrupt TSC2 protein function. ClinVar contains an entry for this variant (Variation ID: 1512406). This variant has not been reported in the literature in individuals affected with TSC2-related conditions. This variant is not present in population databases (gnomAD no frequency). This sequence change replaces phenylalanine, which is neutral and non-polar, with valine, which is neutral and non-polar, at codon 904 of the TSC2 protein (p.Phe904Val). In summary, the available evidence is currently insufficient to determine the role of this variant in disease. Therefore, it has been classified as a Variant of Uncertain Significance.

NM_000548.5(TSC2):c.2710T>G (p.Phe904Val)

Gene: TSC2 (TSC complex subunit 2; plus strand). Cytogenetic location: 16p13.3.
Variant type: single nucleotide variant.
Coding change: c.2710T>G on transcript NM_000548.5 (MANE Select); coding-DNA position 2710, T replaced by G.
Protein change: p.Phe904Val; replaces phenylalanine 904 with valine.
Molecular consequence: missense variant.
Genome position (GRCh38, 1-based): chr16:2,076,138, T>G. VCF-style: chr16-2076138-T-G. GRCh37 (hg19) VCF-style: chr16-2126139-T-G.
Other names: c.2710T>G, p.Phe904Val (NM_001077183.3, NM_001114382.3, NM_001363528.2 and 3 more transcripts); c.2599T>G, p.Phe867Val (NM_001318827.2); c.2563T>G, p.Phe855Val (NM_001318829.2); c.2110T>G, p.Phe704Val (NM_001318831.2); c.2743T>G, p.Phe915Val (NM_001318832.2); c.2710T>G (NM_000548.3); short protein forms F855V, F704V, F867V, F904V, F915V.
Identifiers: ClinVar variation 1512406 (VCV001512406.9), dbSNP rs2151388349, ClinGen allele CA394279473.